The following is an entry in ClinVar:

NM_001267550.2(TTN):c.47102_47107del (p.Arg15701_Lys15702del)

Genes: TTN-AS1 (TTN antisense RNA 1; plus strand), TTN (titin; minus strand). Cytogenetic location: 2q31.2.
Variant type: Deletion.
Coding change: c.47102_47107del on transcript NM_001267550.2 (MANE Select); coding-DNA positions 47102 to 47107, 6 bases deleted (GAAAGA; older notation c.47102_47107delGAAAGA).
Protein change: p.Arg15701_Lys15702del.
Molecular consequence: inframe deletion.
Genome position (GRCh38, 1-based): chr2:178,618,351-178,618,356, TCTTTC deleted on the plus strand (GAAAGA on the coding strand, the reverse complement: TTN is on the minus strand); deleting any 6 consecutive bases within chr2:178,618,351-178,618,360 gives the same sequence; the c. name uses the placement nearest the transcript's 3' end. VCF-style (leftmost placement, unchanged base first): chr2-178618350-GTCTTTC-G. GRCh37 (hg19) VCF-style: chr2-179483077-GTCTTTC-G.
Other names: c.42179_42184del, p.Arg14060_Lys14061del (NM_001256850.1); c.19907_19912del, p.Arg6636_Lys6637del (NM_003319.4); c.39398_39403del, p.Arg13133_Lys13134del (NM_133378.4); c.20282_20287del, p.Arg6761_Lys6762del (NM_133432.3); c.20483_20488del, p.Arg6828_Lys6829del (NM_133437.4).
Identifiers: ClinVar variation 4531796 (VCV004531796.1).
Genomic context (GRCh38, chr2:178,618,350, plus strand): 5'-TTCTGTAGACCAGTGACAGTAAACTCACAACTCTCTGCACGGTCTGTGGCCAGAACCCAG[GTCTTTC>G]TCTTAATGTCACGTCTTTCAACAACGTAACCTATGATTTTGCTTCCACCATCAGTTAAAG-3'

ClinVar aggregate classification (germline): Uncertain significance (1 of 4 stars; one submission).

Conditions:
Dilated cardiomyopathy 1G (CMD1G). Identifiers: Orphanet 154, MedGen C1858763, MONDO:0011400, OMIM 604145.

Submission:

Victorian Clinical Genetics Services, Murdoch Childrens Research Institute
Classification: Uncertain significance for Dilated cardiomyopathy 1G. Last evaluated: 2025-09-17. Review status: criteria provided, single submitter. Criteria: ACMG Guidelines, 2015. Collection method: clinical testing. Allele origin: germline. Affected: yes.
Comment: This variant is classified as VUS-3B. Evidence in support of pathogenic classification: In-frame insertion/deletion in a non-repetitive region that has high conservation; Variant is absent from gnomAD (v2, v3 and v4). Additional information: This variant is heterozygous; This gene is associated with both recessive and dominant disease (OMIM); This variant has no previous evidence of pathogenicity; No published evidence of segregation with disease has been identified for this variant; No published functional evidence has been identified for this variant; No comparable variants have previous evidence for pathogenicity; Variant is located in the annotated fibronectin type III domain (DECIPHER); Loss of function is a known mechanism of disease in this gene. In addition, dominant negative is also a suggested mechanism (PMID: 25589632); The condition associated with this gene has incomplete penetrance. Variants in this gene that result in a premature termination codon (PTC) are known to have reduced penetrance in DCM (PMID: 25589632); Inheritance information for this variant is not currently available in this individual.

Literature cited by the submitters: PubMed 25589632.